The following is an entry in ClinVar:

ClinVar aggregate classification (germline): Pathogenic (1 of 4 stars; one submission).

Conditions:
Neurofibromatosis, type 1 (NF1). Also called: Neurofibromatosis, type I; NEUROFIBROMATOSIS, TYPE I, SOMATIC; Peripheral type neurofibromatosis; VON RECKLINGHAUSEN DISEASE. Identifiers: Orphanet 636, MedGen C0027831, MONDO:0018975, OMIM 162200. Disease mechanism: loss of function.

Submission:

Labcorp Genetics (formerly Invitae), Labcorp
Classification: Pathogenic for Neurofibromatosis, type 1. Last evaluated: 2023-06-15. Review status: criteria provided, single submitter. Criteria: Invitae Variant Classification Sherloc (09022015). Collection method: clinical testing. Allele origin: germline.
Comment: For these reasons, this variant has been classified as Pathogenic. This premature translational stop signal has been observed in individual(s) with neurofibromatosis, type 1 (PMID: 35240321). This variant is not present in population databases (gnomAD no frequency). This sequence change creates a premature translational stop signal (p.Cys1365Profs*8) in the NF1 gene. It is expected to result in an absent or disrupted protein product. Loss-of-function variants in NF1 are known to be pathogenic (PMID: 10712197, 23913538).

Literature cited by the submitters: PubMed 35240321; PubMed 10712197; PubMed 23913538.

NM_001042492.3(NF1):c.4093_4094del (p.Cys1365fs)

Gene: NF1 (neurofibromin 1; plus strand). Cytogenetic location: 17q11.2.
Variant type: Microsatellite.
Coding change: c.4093_4094del on transcript NM_001042492.3 (MANE Select); coding-DNA positions 4093 to 4094, 2 bases deleted (TG; older notation c.4093_4094delTG).
Protein change: p.Cys1365fs; shifts the reading frame from cysteine 1365.
Molecular consequence: frameshift variant.
Genome position (GRCh38, 1-based): chr17:31,249,102-31,249,103, TG deleted; deleting any 2 consecutive bases within chr17:31,249,097-31,249,103 gives the same sequence; the c. name uses the placement nearest the transcript's 3' end. VCF-style (leftmost placement, unchanged base first): chr17-31249096-AGT-A. GRCh37 (hg19) VCF-style: chr17-29576114-AGT-A.
Other names: c.4089_4090TG[2], p.Cys1365Profs (NM_000267.4); short protein forms C1365fs.
Identifiers: ClinVar variation 2715898 (VCV002715898.3), dbSNP rs2508352628, ClinGen allele CA2695225782.